The following is an entry in ClinVar:

NM_002778.4(PSAP):c.127G>A (p.Gly43Arg)

Gene: PSAP (prosaposin; minus strand). Cytogenetic location: 10q22.1.
Variant type: single nucleotide variant.
Coding change: c.127G>A on transcript NM_002778.4 (MANE Select); coding-DNA position 127, G replaced by A.
Protein change: p.Gly43Arg; replaces glycine 43 with arginine.
Molecular consequence: missense variant.
Genome position (GRCh38, 1-based): chr10:71,834,419, C>T on the plus strand (G>A on the coding strand, the complement: PSAP is on the minus strand). VCF-style: chr10-71834419-C-T. GRCh37 (hg19) VCF-style: chr10-73594176-C-T.
Other names: c.127G>A, p.Gly43Arg (NM_001042465.3, NM_001042466.3); c.127G>A (NM_002778.2); short protein forms G43R.
Identifiers: ClinVar variation 989889 (VCV000989889.4), dbSNP rs554592821, ClinGen allele CA5547893.

ClinVar aggregate classification (germline): Uncertain significance. Review status: criteria provided, multiple submitters, no conflicts (2 of 4 stars). 3 submissions from 3 submitters: Uncertain significance (2). 1 of the submissions does not count toward it. Last evaluated 2025-08-19.

Conditions:
Metachromatic leukodystrophy (MLD). Also called: Arylsulfatase A Deficiency; SULFATIDE LIPIDOSIS; ARSA DEFICIENCY; CEREBROSIDE SULFATASE DEFICIENCY; Cerebral sclerosis diffuse metachromatic form; METACHROMATIC LEUKOENCEPHALOPATHY. Identifiers: Orphanet 512, MedGen C0023522, MONDO:0018868, OMIM 250100.
Inborn genetic diseases. Identifiers: MedGen C0950123, MeSH D030342.
Sphingolipid activator protein 1 deficiency. Also called: Saposin B Deficiency; Metachromatic leukodystrophy due to saposin B deficiency; METACHROMATIC LEUKODYSTROPHY DUE TO CEREBROSIDE SULFATASE ACTIVATOR DEFICIENCY. Identifiers: Orphanet 512, MedGen C0268262, MONDO:0009590, OMIM 249900.

Allele frequency attached by ClinVar (database versions not stated): gnomAD 0.00002 and 0.00010; TOPMed 0.00007; 1000 Genomes Project 0.00060; 1000 Genomes Project 30x 0.00062.

Submissions (3):

Ambry Genetics
Classification: Uncertain significance for Inborn genetic diseases. Last evaluated: 2025-08-19. Review status: criteria provided, single submitter. Criteria: Ambry Variant Classification Scheme 2023. Collection method: clinical testing. Allele origin: germline.

Labcorp Genetics (formerly Invitae), Labcorp
Classification: Uncertain significance for Sphingolipid activator protein 1 deficiency. Last evaluated: 2022-07-06. Review status: criteria provided, single submitter. Criteria: Invitae Variant Classification Sherloc (09022015). Collection method: clinical testing. Allele origin: germline.
Comment: This sequence change replaces glycine, which is neutral and non-polar, with arginine, which is basic and polar, at codon 43 of the PSAP protein (p.Gly43Arg). This variant is present in population databases (rs554592821, gnomAD 0.1%). This variant has not been reported in the literature in individuals affected with PSAP-related conditions. ClinVar contains an entry for this variant (Variation ID: 989889). Algorithms developed to predict the effect of missense changes on protein structure and function output the following: SIFT: "Not Available"; PolyPhen-2: "Possibly Damaging"; Align-GVGD: "Not Available". The arginine amino acid residue is found in multiple mammalian species, which suggests that this missense change does not adversely affect protein function. In summary, the available evidence is currently insufficient to determine the role of this variant in disease. Therefore, it has been classified as a Variant of Uncertain Significance.

Natera, Inc.
Classification: Uncertain significance for Metachromatic leukodystrophy. Last evaluated: 2020-04-11. Review status: no assertion criteria provided. Collection method: clinical testing. Allele origin: germline. Not counted in ClinVar's aggregate classification.